The following is an entry in ClinVar:

ClinVar aggregate classification (germline): Benign (1 of 4 stars; one submission).

Conditions:
Noonan syndrome-like disorder with loose anagen hair 1 (NSLH1). Also called: MAZZANTI SYNDROME; TOSTI SYNDROME. Identifiers: Orphanet 2701, MedGen C4478716, MONDO:0054637, OMIM 607721.

Allele frequency attached by ClinVar (database versions not stated): 1000 Genomes Project 0.00120; 1000 Genomes Project 30x 0.00125; gnomAD 0.00445 and 0.00453; TOPMed 0.00453.

Submission:

Illumina Laboratory Services, Illumina
Classification: Benign for Noonan syndrome-like disorder with loose anagen hair 1. Last evaluated: 2018-01-13. Review status: criteria provided, single submitter. Criteria: ICSL Variant Classification Criteria 13 December 2019. Collection method: clinical testing. Allele origin: germline.
Comment: This variant was observed in the ICSL laboratory as part of a predisposition screen in an ostensibly healthy population. It had not been previously curated by ICSL or reported in the Human Gene Mutation Database (HGMD: prior to June 1st, 2018), and was therefore a candidate for classification through an automated scoring system. Utilizing variant allele frequency, disease prevalence and penetrance estimates, and inheritance mode, an automated score was calculated to assess if this variant is too frequent to cause the disease. Based on the score and internal cut-off values, a variant classified as benign is not then subjected to further curation. The score for this variant resulted in a classification of benign for this disease.

NM_007373.4(SHOC2):c.*697C>T

Gene: SHOC2 (SHOC2 leucine rich repeat scaffold protein; plus strand). Cytogenetic location: 10q25.2.
Variant type: single nucleotide variant.
Coding change: c.*697C>T on transcript NM_007373.4 (MANE Select); 697 bases downstream of the stop codon, C replaced by T.
Molecular consequence: 3 prime UTR variant. On other transcripts: non-coding transcript variant (1).
Genome position (GRCh38, 1-based): chr10:111,012,515, C>T. VCF-style: chr10-111012515-C-T. GRCh37 (hg19) VCF-style: chr10-112772273-C-T.
Other names: c.*697C>T (NM_001269039.3, NM_001324336.2, NM_001324337.2).
Identifiers: ClinVar variation 298872 (VCV000298872.5), dbSNP rs189140753, ClinGen allele CA10628062.